The following is an entry in ClinVar:

NM_000219.6(KCNE1):c.144C>A (p.Leu48=)

Gene: KCNE1 (potassium voltage-gated channel subfamily E regulatory subunit 1; minus strand). Cytogenetic location: 21q22.12.
Variant type: single nucleotide variant.
Coding change: c.144C>A on transcript NM_000219.6 (MANE Select); coding-DNA position 144, C replaced by A.
Protein change: p.Leu48=; no amino-acid change (leucine 48 retained).
Molecular consequence: synonymous variant.
Genome position (GRCh38, 1-based): chr21:34,449,491, G>T on the plus strand (C>A on the coding strand, the complement: KCNE1 is on the minus strand). VCF-style: chr21-34449491-G-T. GRCh37 (hg19) VCF-style: chr21-35821789-G-T.
Other names: c.144C>A, p.Leu48= (NM_001127668.4, NM_001127669.4, NM_001127670.4 and 4 more transcripts).
Identifiers: ClinVar variation 3374159 (VCV003374159.2).
Genomic context (GRCh38, chr21:34,449,491, plus strand): 5'-GGAGCGGATGTAGCTCAGCATGATGCCCAGGGTGAAGAAGCCGAAGAATCCCAGTACCAT[G>T]AGGACGTAGAGGGCCTCCAGCTTGCCGTCACTGCTGCGGGGGGACCTGCGGGCCAGGCCC-3'
Protein context (NP_000210.2, residues 38-58): SDGKLEALYV[Leu48=]MVLGFFGFFT

Conditions:
Long QT syndrome 5 (LQT5). Identifiers: Orphanet 101016, Orphanet 768, MedGen C1867904, MONDO:0013372, OMIM 613695.

Submission:

Roden Lab, Vanderbilt University Medical Center
No classification provided (evidence only). Condition: Long QT syndrome 5. Review status: no classification provided. Collection method: in vitro. Allele origin: not applicable. Functional consequence: Effect on ion channel function.
ClinVar note: "not provided" was previously submitted as the classification for the variant. However, the classification appeared to be based only on an observation of functional data so it was converted to no classification on 2025-07-30.